The following is an entry in ClinVar:

ClinVar aggregate classification (germline): Uncertain significance (1 of 4 stars; one submission).

Conditions:
Cardiovascular phenotype. Identifiers: MedGen CN230736.

Submission:

Ambry Genetics
Classification: Uncertain significance for Cardiovascular phenotype. Last evaluated: 2019-09-27. Review status: criteria provided, single submitter. Criteria: Ambry Variant Classification Scheme 2023. Collection method: clinical testing. Allele origin: germline.
Comment: The p.A22164T variant (also known as c.66490G>A), located in coding exon 166 of the TTN gene, results from a G to A substitution at nucleotide position 66490. The alanine at codon 22164 is replaced by threonine, an amino acid with similar properties. This amino acid position is not well conserved in available vertebrate species. In addition, this alteration is predicted to be tolerated by in silico analysis. Since supporting evidence is limited at this time, the clinical significance of this alteration remains unclear.

NM_001267550.2(TTN):c.93685G>A (p.Ala31229Thr)

Genes: TTN (titin; minus strand), TTN-AS1 (TTN antisense RNA 1; plus strand). Cytogenetic location: 2q31.2.
Variant type: single nucleotide variant.
Coding change: c.93685G>A on transcript NM_001267550.2 (MANE Select); coding-DNA position 93685, G replaced by A.
Protein change: p.Ala31229Thr; replaces alanine 31229 with threonine.
Molecular consequence: missense variant.
Genome position (GRCh38, 1-based): chr2:178,547,941, C>T on the plus strand (G>A on the coding strand, the complement: TTN is on the minus strand). VCF-style: chr2-178547941-C-T. GRCh37 (hg19) VCF-style: chr2-179412668-C-T.
Other names: c.88762G>A, p.Ala29588Thr (NM_001256850.1); c.66490G>A, p.Ala22164Thr (NM_003319.4); c.85981G>A, p.Ala28661Thr (NM_133378.4); c.66865G>A, p.Ala22289Thr (NM_133432.3); c.67066G>A, p.Ala22356Thr (NM_133437.4); short protein forms A22356T, A22164T, A22289T, A31229T, A28661T, A29588T.
Identifiers: ClinVar variation 1754668 (VCV001754668.2), dbSNP rs2469110989, ClinGen allele CA349481516.